The following is an entry in ClinVar:

NM_000548.5(TSC2):c.539T>G (p.Leu180Arg)

Gene: TSC2 (TSC complex subunit 2; plus strand). Cytogenetic location: 16p13.3.
Variant type: single nucleotide variant.
Coding change: c.539T>G on transcript NM_000548.5 (MANE Select); coding-DNA position 539, T replaced by G.
Protein change: p.Leu180Arg; replaces leucine 180 with arginine.
Molecular consequence: missense variant. On other transcripts: intron variant (1).
Genome position (GRCh38, 1-based): chr16:2,055,459, T>G. VCF-style: chr16-2055459-T-G. GRCh37 (hg19) VCF-style: chr16-2105460-T-G.
Other names: c.539T>G, p.Leu180Arg (NM_001077183.3, NM_001114382.3, NM_001363528.2 and 3 more transcripts); c.428T>G, p.Leu143Arg (NM_001318827.2); c.392T>G, p.Leu131Arg (NM_001318829.2); c.572T>G, p.Leu191Arg (NM_001318832.2); c.-1-737T>G (NM_001318831.2); short protein forms L180R, L131R, L143R, L191R.
Identifiers: ClinVar variation 569291 (VCV000569291.9), dbSNP rs1567403610, ClinGen allele CA394309419.

ClinVar aggregate classification (germline): Uncertain significance. Review status: criteria provided, multiple submitters, no conflicts (2 of 4 stars). 2 submissions from 2 submitters: Uncertain significance (2). Last evaluated 2025-02-11.

Conditions:
Tuberous sclerosis 2 (TSC2). Identifiers: Orphanet 805, MedGen C1860707, MONDO:0013199, OMIM 613254.

Submissions (2):

ARUP Laboratories, Molecular Genetics and Genomics, ARUP Laboratories
Classification: Uncertain significance. Last evaluated: 2025-02-11. Review status: criteria provided, single submitter. Criteria: ARUP Molecular Germline Variant Investigation Process 2024. Collection method: clinical testing. Allele origin: germline.
Comment: The TSC2 c.539T>G; p.Leu180Arg variant (rs1567403610), to our knowledge, is not reported in the medical literature but is reported in ClinVar (Variation ID: 569291). This variant is absent from the Genome Aggregation Database (v2.1.1), indicating it is not a common polymorphism. Computational analyses predict that this variant is deleterious (REVEL: 0.91). Due to limited information, the clinical significance of this variant is uncertain at this time.

Labcorp Genetics (formerly Invitae), Labcorp
Classification: Uncertain significance for Tuberous sclerosis 2. Last evaluated: 2018-05-29. Review status: criteria provided, single submitter. Criteria: Invitae Variant Classification Sherloc (09022015). Collection method: clinical testing. Allele origin: germline.
Comment: Algorithms developed to predict the effect of missense changes on protein structure and function (SIFT, PolyPhen-2, Align-GVGD) all suggest that this variant is likely to be disruptive, but these predictions have not been confirmed by published functional studies and their clinical significance is uncertain. This variant has not been reported in the literature in individuals with TSC2-related disease. This variant is not present in population databases (ExAC no frequency). This sequence change replaces leucine with arginine at codon 180 of the TSC2 protein (p.Leu180Arg). The leucine residue is highly conserved and there is a moderate physicochemical difference between leucine and arginine. In summary, the available evidence is currently insufficient to determine the role of this variant in disease. Therefore, it has been classified as a Variant of Uncertain Significance.